The following is an entry in ClinVar:

ClinVar aggregate classification (germline): Benign. Review status: criteria provided, multiple submitters, no conflicts (2 of 4 stars). 4 submissions from 4 submitters: Benign (4). Last evaluated 2026-01-31.

Allele frequency attached by ClinVar (database versions not stated): gnomAD exomes 0.00130 and 0.00305; ExAC 0.00360; 1000 Genomes Project 30x 0.00999; 1000 Genomes Project 0.01038; gnomAD 0.01059 and 0.01147; TOPMed 0.01197; ESP Exome Variant Server 0.01223.
gnomAD v4.1: 3,610 of 1,614,158 alleles (0.22%); highest among the groups gnomAD compares: African/African-American, 3.8%; 60 homozygotes.

Submissions (4):

Labcorp Genetics (formerly Invitae), Labcorp
Classification: Benign. Last evaluated: 2026-01-31. Review status: criteria provided, single submitter. Criteria: Invitae Variant Classification Sherloc (09022015). Collection method: clinical testing. Allele origin: germline.

Women's Health and Genetics/Laboratory Corporation of America, LabCorp
Classification: Benign. Last evaluated: 2026-01-22. Review status: criteria provided, single submitter. Criteria: LabCorp Variant Classification Summary - May 2015. Collection method: clinical testing. Allele origin: germline.

Mayo Clinic Laboratories, Mayo Clinic
Classification: Benign. Last evaluated: 2023-12-29. Review status: criteria provided, single submitter. Criteria: ACMG Guidelines, 2015. Collection method: clinical testing. Allele origin: germline. Observed: 5 variant alleles.
Comment: BS1, BS2

Breakthrough Genomics
Classification: Benign. Review status: criteria provided, single submitter. Criteria: ACMG Guidelines, 2015. Collection method: not provided. Allele origin: germline. Inheritance: Autosomal recessive inheritance. Affected: yes.

NM_033004.4(NLRP1):c.2406C>T (p.Ser802=)

Gene: NLRP1 (NLR family pyrin domain containing 1; minus strand). Cytogenetic location: 17p13.2.
Variant type: single nucleotide variant.
Coding change: c.2406C>T on transcript NM_033004.4 (MANE Select); coding-DNA position 2406, C replaced by T.
Protein change: p.Ser802=; no amino-acid change (serine 802 retained).
Molecular consequence: synonymous variant.
Genome position (GRCh38, 1-based): chr17:5,553,508, G>A on the plus strand (C>T on the coding strand, the complement: NLRP1 is on the minus strand). VCF-style: chr17-5553508-G-A. GRCh37 (hg19) VCF-style: chr17-5456828-G-A.
Other names: p.Ser802=; c.2406C>T, p.Ser802= (NM_001033053.3, NM_014922.5, NM_033006.4 and 1 more transcripts).
Identifiers: ClinVar variation 781250 (VCV000781250.14), dbSNP rs144773865, ClinGen allele CA8327169.